The following continues an entry in ClinVar:

NM_001363711.2(DUOX2):c.2654G>T (p.Arg885Leu)

Gene: DUOX2. ClinVar aggregate classification (germline): Conflicting classifications of pathogenicity. Pathogenic (6); Likely pathogenic (5); Uncertain significance (2).

Submissions 11 to 16 of 16:

Illumina Laboratory Services, Illumina
Classification: Likely pathogenic for Thyroid dyshormonogenesis 6. Last evaluated: 2018-10-31. Review status: criteria provided, single submitter. Criteria: ICSL Variant Classification Criteria 09 May 2019. Collection method: clinical testing. Allele origin: germline.
Comment: The c.2654G>T (p.Arg885Leu) variant is a missense variant that is predicted to affect the nucleotide immediately upstream of a donor splice site. The father of these individuals, who was heterozygous for the p.Arg885Leu variant, was hypothyroid. Notably, there is a discrepancy in the nomenclature used to refer to the variant in the pedigree presented by Srichomkwun et al. (2017). In addition, two sisters with goitrous congenital hypothyroidism were found to be heterozygous for the p.Arg885Leu variant and a missense variant in the DUOXA2 gene (Zheng et al. 2017); within this family, two heterozyous carriers of p.Arg885Leu showed normal thyroid function. The p.Arg885Leu variant was absent from 105 control individuals and is reported at a frequency of 0.005777 in the East Asian population of the Genome Aggregation Database. Functional studies of the variant have not been conducted. Narumi et al. (2011) report that RT-PCR and sequencing of lymphoblastic RNA from the compound heterozygous patient showed that mRNA harboring the p.Arg885Leu variant was not expressed, likely due to erroneous splicing; however, these data are not shown. Based on the collective evidence, the p.Arg885Leu variant is classified as likely pathogenic for congenital hypothyroidism. This variant was observed by ICSL as part of a predisposition screen in an ostensibly healthy population.

Department of Traditional Chinese Medicine, Fujian Provincial Hospital
Classification: Pathogenic for Thyroid dyshormonogenesis 6. Review status: criteria provided, single submitter. Criteria: ACMG Guidelines, 2015. Collection method: research. Allele origin: inherited.
Comment: The diagnosis was considered non-autoimmune hypothyroidism. Genetic testing indicates c.2654G>T(p.Arg885Leu) of DUOX2 (NM_014086.4). According to the ACMG score, this mutation is pathogenic. Fengqi Wang et al. have reported the related mutation (PMID:32425884), so we consider this mutation to be pathogenic.

Juno Genomics, Hangzhou Juno Genomics, Inc
Classification: Pathogenic for Thyroid dyshormonogenesis 6. Review status: criteria provided, single submitter. Criteria: ACMG Guidelines, 2015. Collection method: clinical testing. Allele origin: germline.
Comment: For recessive disorders, detected in trans with a pathogenic variant.;Patient's phenotype or family history is highly specific for a disease with a single genetic etiology.;Novel missense change at an amino acid residue where a different missense change determined to be pathogenic has been seen before.

PreventionGenetics, part of Exact Sciences
Classification: Likely pathogenic for DUOX2-related condition. Last evaluated: 2024-02-26. Review status: no assertion criteria provided. Collection method: clinical testing. Allele origin: germline. Not counted in ClinVar's aggregate classification.
Comment: The DUOX2 c.2654G>T variant is predicted to result in the amino acid substitution p.Arg885Leu. This variant has been reported in the homozygous and compound heterozygous states in multiple individuals with congenital hypothyroidism (see for example, Table 1, Jiang et al. 2016. PubMed ID: 27498126; Table 3, Zheng et al. 2020. PubMed ID: 33490161; Table 1, Huang et al. 2021. PubMed ID: 34276565) and congenital diarrhea with enteropathy (Table S1, Ye et al. 2019. PubMed ID: 30894704). This variant is reported in 0.57% of alleles in individuals of East Asian descent in gnomAD. An alternate nucleotide substitution affecting the same amino acid (p.Arg885Glu) has been reported in multiple individuals with thyroid dyshormonogenesis (Table 1, Long et al. 2018. PubMed ID: 30022773; Table 1, Chen et al. 2018. PubMed ID: 30154845). This variant is interpreted as likely pathogenic.

University of Washington Center for Mendelian Genomics, University of Washington
Classification: Likely pathogenic for Nongoitrous Euthyroid Hyperthyrotropinemia. Last evaluated: 2017-01-01. Review status: no assertion criteria provided. Collection method: research. Allele origin: unknown. Affected: yes. Observed: 2 compound heterozygotes. Not counted in ClinVar's aggregate classification.

Dr. Peter K. Rogan Lab, Western University
No classification provided (evidence only). Condition: Thymoma. Review status: no classification provided. Collection method: in vitro. Allele origin: not applicable. Functional consequence: retained intron. Not counted in ClinVar's aggregate classification.

Literature cited by the submitters: PubMed 21900383 (cited by Labcorp Genetics (formerly Invitae), Labcorp and Illumina Laboratory Services, Illumina); PubMed 27498126 (cited by 4 submitters); PubMed 28541007 (cited by 3 submitters); PubMed 29650690 (cited by Labcorp Genetics (formerly Invitae), Labcorp and Genetics and Molecular Pathology, SA Pathology); PubMed 30512158 (cited by Labcorp Genetics (formerly Invitae), Labcorp); PubMed 32319661 (cited by Labcorp Genetics (formerly Invitae), Labcorp and Genetics and Molecular Pathology, SA Pathology); PubMed 32425884 (cited by 3 submitters); PubMed 33310921 (cited by Labcorp Genetics (formerly Invitae), Labcorp); PubMed 34276565 (cited by Labcorp Genetics (formerly Invitae), Labcorp); PubMed 34564849 (cited by Labcorp Genetics (formerly Invitae), Labcorp); PubMed 18765513 (cited by 3billion); PubMed 27821020 (cited by Illumina Laboratory Services, Illumina and University of Washington Center for Mendelian Genomics, University of Washington).